The following is an entry in ClinVar:

ClinVar aggregate classification (germline): Likely pathogenic (1 of 4 stars; one submission).

Allele frequency attached by ClinVar (database versions not stated): gnomAD exomes below 0.00001; TOPMed 0.00001.
gnomAD v4.1: 1 of 1,611,922 alleles (0.000062%); highest among the groups gnomAD compares: Non-Finnish European, 0.000085%; no homozygotes.

Submission:

Labcorp Genetics (formerly Invitae), Labcorp
Classification: Likely pathogenic. Last evaluated: 2022-08-22. Review status: criteria provided, single submitter. Criteria: Invitae Variant Classification Sherloc (09022015). Collection method: clinical testing. Allele origin: germline.
Comment: In summary, the currently available evidence indicates that the variant is pathogenic, but additional data are needed to prove that conclusively. Therefore, this variant has been classified as Likely Pathogenic. Algorithms developed to predict the effect of sequence changes on RNA splicing suggest that this variant may disrupt the consensus splice site. This variant has not been reported in the literature in individuals affected with POLR3B-related conditions. This variant is not present in population databases (gnomAD no frequency). This sequence change affects an acceptor splice site in intron 15 of the POLR3B gene. It is expected to disrupt RNA splicing. Variants that disrupt the donor or acceptor splice site typically lead to a loss of protein function (PMID: 16199547), and loss-of-function variants in POLR3B are known to be pathogenic (PMID: 25339210).

Literature cited by the submitters: PubMed 16199547; PubMed 25339210.

NM_018082.6(POLR3B):c.1628-1G>C

Gene: POLR3B (RNA polymerase III subunit B; plus strand). Cytogenetic location: 12q23.3.
Variant type: single nucleotide variant.
Coding change: c.1628-1G>C on transcript NM_018082.6 (MANE Select); the canonical splice acceptor site of the intron before coding-DNA position 1628, G replaced by C.
Molecular consequence: splice acceptor variant.
Genome position (GRCh38, 1-based): chr12:106,433,718, G>C. VCF-style: chr12-106433718-G-C. GRCh37 (hg19) VCF-style: chr12-106827496-G-C.
Other names: c.1454-1G>C (NM_001160708.2).
Identifiers: ClinVar variation 2026152 (VCV002026152.4), dbSNP rs929121557, ClinGen allele CA243184558.